The following is an entry in ClinVar:

ClinVar aggregate classification (germline): Uncertain significance (1 of 4 stars; one submission).

Conditions:
Hereditary cancer-predisposing syndrome. Also called: Hereditary Cancer Syndrome; Hereditary neoplastic syndrome; Neoplastic Syndromes, Hereditary; Tumor predisposition. Identifiers: Orphanet 140162, MedGen C0027672, MeSH D009386, MONDO:0015356.

Submission:

Ambry Genetics
Classification: Uncertain significance for Hereditary cancer-predisposing syndrome. Last evaluated: 2022-07-28. Review status: criteria provided, single submitter. Criteria: Ambry Variant Classification Scheme 2023. Collection method: clinical testing. Allele origin: germline.
Comment: The p.D310E variant (also known as c.930T>A), located in coding exon 8 of the BMPR1A gene, results from a T to A substitution at nucleotide position 930. The aspartic acid at codon 310 is replaced by glutamic acid, an amino acid with highly similar properties. This amino acid position is conserved. In addition, this alteration is predicted to be tolerated by in silico analysis. Since supporting evidence is limited at this time, the clinical significance of this alteration remains unclear.

NM_004329.3(BMPR1A):c.930T>A (p.Asp310Glu)

Gene: BMPR1A (bone morphogenetic protein receptor type 1A; plus strand). Cytogenetic location: 10q23.2.
Variant type: single nucleotide variant.
Coding change: c.930T>A on transcript NM_004329.3 (MANE Select); coding-DNA position 930, T replaced by A.
Protein change: p.Asp310Glu; replaces aspartic acid 310 with glutamic acid.
Molecular consequence: missense variant.
Genome position (GRCh38, 1-based): chr10:86,919,233, T>A. VCF-style: chr10-86919233-T-A. GRCh37 (hg19) VCF-style: chr10-88678990-T-A.
Other names: c.1005T>A, p.Asp335Glu (NM_001406559.1); c.978T>A, p.Asp326Glu (NM_001406560.1); c.930T>A, p.Asp310Glu (NM_001406561.1, NM_001406562.1, NM_001406563.1 and 19 more transcripts); c.924T>A, p.Asp308Glu (NM_001406583.1); c.846T>A, p.Asp282Glu (NM_001406584.1, NM_001406585.1, NM_001406586.1 and 2 more transcripts); c.588T>A, p.Asp196Glu (NM_001406589.1); short protein forms D282E, D335E, D196E, D310E, D308E, D326E.
Identifiers: ClinVar variation 1766536 (VCV001766536.2), dbSNP rs2539618451, ClinGen allele CA377460072.